The following is an entry in ClinVar:

ClinVar aggregate classification (germline): Conflicting classifications of pathogenicity. Review status: criteria provided, conflicting classifications (1 of 4 stars). 3 submissions from 3 submitters: Uncertain significance (2); Likely benign (1). Last evaluated 2025-08-03.

Conditions:
Hereditary cancer-predisposing syndrome. Also called: Tumor predisposition; Neoplastic Syndromes, Hereditary; Hereditary neoplastic syndrome; Hereditary Cancer Syndrome. Identifiers: Orphanet 140162, MedGen C0027672, MeSH D009386, MONDO:0015356.
Hereditary breast ovarian cancer syndrome. Also called: Hereditary breast and ovarian cancer; Hereditary breast and ovarian cancer syndrome (HBOC); Breast and ovarian cancer; Hereditary breast and ovarian cancer syndrome; BRCA1- and BRCA2-Associated Hereditary Breast and Ovarian Cancer; Hereditary breast and/or ovarian cancer syndrome. Identifiers: Orphanet 145, MedGen C0677776, MeSH D061325, MONDO:0003582. Disease mechanism: loss of function.

Submissions (3):

Labcorp Genetics (formerly Invitae), Labcorp
Classification: Uncertain significance for Hereditary breast ovarian cancer syndrome. Last evaluated: 2025-08-03. Review status: criteria provided, single submitter. Criteria: Invitae Variant Classification Sherloc (09022015). Collection method: clinical testing. Allele origin: germline.
Comment: This sequence change replaces asparagine, which is neutral and polar, with serine, which is neutral and polar, at codon 2461 of the BRCA2 protein (p.Asn2461Ser). This variant is not present in population databases (gnomAD no frequency). This variant has not been reported in the literature in individuals affected with BRCA2-related conditions. ClinVar contains an entry for this variant (Variation ID: 631259). Invitae Evidence Modeling of protein sequence and biophysical properties (such as structural, functional, and spatial information, amino acid conservation, physicochemical variation, residue mobility, and thermodynamic stability) indicates that this missense variant is not expected to disrupt BRCA2 protein function with a negative predictive value of 95%. In summary, the available evidence is currently insufficient to determine the role of this variant in disease. Therefore, it has been classified as a Variant of Uncertain Significance.

Ambry Genetics
Classification: Likely benign for Hereditary cancer-predisposing syndrome. Last evaluated: 2025-06-25. Review status: criteria provided, single submitter. Criteria: Ambry Variant Classification Scheme 2023. Collection method: clinical testing. Allele origin: germline.

Color Diagnostics, LLC DBA Color Health
Classification: Uncertain significance for Hereditary cancer-predisposing syndrome. Last evaluated: 2019-04-15. Review status: criteria provided, single submitter. Criteria: ACMG Guidelines, 2015. Collection method: clinical testing. Allele origin: germline.

NM_000059.4(BRCA2):c.7382A>G (p.Asn2461Ser)

Gene: BRCA2 (BRCA2 DNA repair associated; plus strand). Cytogenetic location: 13q13.1.
Variant type: single nucleotide variant.
Coding change: c.7382A>G on transcript NM_000059.4 (MANE Select); coding-DNA position 7382, A replaced by G.
Protein change: p.Asn2461Ser; replaces asparagine 2461 with serine.
Molecular consequence: missense variant.
Genome position (GRCh38, 1-based): chr13:32,355,235, A>G. VCF-style: chr13-32355235-A-G. GRCh37 (hg19) VCF-style: chr13-32929372-A-G.
Other names: short protein forms N2461S.
Identifiers: ClinVar variation 631259 (VCV000631259.14), dbSNP rs1566241260, ClinGen allele CA387741718.